The following is an entry in ClinVar:

NM_001267550.2(TTN):c.10564G>A (p.Ala3522Thr)

Gene: TTN (titin; minus strand). Cytogenetic location: 2q31.2.
Variant type: single nucleotide variant.
Coding change: c.10564G>A on transcript NM_001267550.2 (MANE Select); coding-DNA position 10564, G replaced by A.
Protein change: p.Ala3522Thr; replaces alanine 3522 with threonine.
Molecular consequence: missense variant. On other transcripts: intron variant (5).
Genome position (GRCh38, 1-based): chr2:178,757,656, C>T on the plus strand (G>A on the coding strand, the complement: TTN is on the minus strand). VCF-style: chr2-178757656-C-T. GRCh37 (hg19) VCF-style: chr2-179622383-C-T.
Other names: p.A3522T:GCT>ACT; c.10426G>A, p.Ala3476Thr (NM_133432.3); c.10165+1328G>A (NM_003319.4); c.10166-859G>A (NM_133437.4); c.10303+1328G>A (NM_133378.4, NM_001256850.1, NM_133379.5); short protein forms A3522T, A3476T.
Identifiers: ClinVar variation 203177 (VCV000203177.3), dbSNP rs794729587, ClinGen allele CA311592.

ClinVar aggregate classification (germline): Uncertain significance. Review status: criteria provided, multiple submitters, no conflicts (2 of 4 stars). 3 submissions from 3 submitters: Uncertain significance (3). Last evaluated 2026-08-31.

Conditions:
TTN-related disorder. Also called: TTN-related condition; TTN-related disease; TTN-related disorders.

Allele frequency attached by ClinVar (database versions not stated): gnomAD exomes below 0.00001.
gnomAD v4.1: 6 of 1,613,804 alleles (0.00037%); highest among the groups gnomAD compares: Non-Finnish European, 0.00042%; no homozygotes.

Submissions (3):

PreventionGenetics, part of Exact Sciences
Classification: Uncertain significance for TTN-related condition. Last evaluated: 2026-08-31. Review status: criteria provided, single submitter. Criteria: ACMG Guidelines, 2015. Collection method: clinical testing. Allele origin: germline.
Comment: The TTN c.10564G>A variant is predicted to result in the amino acid substitution p.Ala3522Thr. To our knowledge, this variant has not been reported in the literature or in a large population database (gnomAD), indicating this variant is rare. At this time, the clinical significance of this variant is uncertain due to the absence of conclusive functional and genetic evidence.

Athena Diagnostics
Classification: Uncertain significance. Last evaluated: 2017-12-14. Review status: criteria provided, single submitter. Criteria: Athena Diagnostics Criteria. Collection method: clinical testing. Allele origin: germline.

GeneDx
Classification: Uncertain significance. Last evaluated: 2013-09-27. Review status: criteria provided, single submitter. Criteria: GeneDx Variant Classification (06012015). Collection method: clinical testing. Allele origin: germline. Affected: yes.
Comment: Missense variants in the TTN gene are considered 'unclassified' if they are not previously reported in the literature and do not have >1% frequency in the population to be considered a polymorphism. Research indicates that truncating mutations in the TTN gene are expected to account for approximately 25% of familial and 18% of sporadic idiopathic DCM; however, truncating variants in the TTN gene have been reported in approximately 3% of reported control alleles. There has been little investigation into non-truncating variants. (Herman D et al. Truncations of titin causing dilated cardiomyopathy. N Eng J Med 366:619-628, 2012) The variant is found in DCM panel(s).